The following is an entry in ClinVar:

NM_030665.4(RAI1):c.5289G>A (p.Pro1763=)

Gene: RAI1 (retinoic acid induced 1; plus strand). Cytogenetic location: 17p11.2.
Variant type: single nucleotide variant.
Coding change: c.5289G>A on transcript NM_030665.4 (MANE Select); coding-DNA position 5289, G replaced by A.
Protein change: p.Pro1763=; no amino-acid change (proline 1763 retained).
Molecular consequence: synonymous variant.
Genome position (GRCh38, 1-based): chr17:17,798,237, G>A. VCF-style: chr17-17798237-G-A. GRCh37 (hg19) VCF-style: chr17-17701551-G-A.
Other names: c.5289G>A (NM_030665.3).
Identifiers: ClinVar variation 1583260 (VCV001583260.9), dbSNP rs1000278919, ClinGen allele CA288371970.

ClinVar aggregate classification (germline): Likely benign. Review status: criteria provided, single submitter (1 of 4 stars). 2 submissions from 2 submitters: Likely benign (1). 1 of the submissions does not count toward it. Last evaluated 2023-12-13.

Conditions:
RAI1-related disorder. Also called: RAI1-related condition.

Allele frequency attached by ClinVar (database versions not stated): gnomAD 0.00001; TOPMed 0.00001.
gnomAD v4.1: 10 of 1,609,166 alleles (0.00062%); highest among the groups gnomAD compares: African/African-American, 0.0013%; no homozygotes.

Submissions (2):

Labcorp Genetics (formerly Invitae), Labcorp
Classification: Likely benign. Last evaluated: 2023-12-13. Review status: criteria provided, single submitter. Criteria: Invitae Variant Classification Sherloc (09022015). Collection method: clinical testing. Allele origin: germline.

PreventionGenetics, part of Exact Sciences
Classification: Likely benign for RAI1-related condition. Last evaluated: 2024-06-10. Review status: no assertion criteria provided. Collection method: clinical testing. Allele origin: germline. Not counted in ClinVar's aggregate classification.
Comment: This variant is classified as likely benign based on ACMG/AMP sequence variant interpretation guidelines (Richards et al. 2015 PMID: 25741868, with internal and published modifications).